The following is an entry in ClinVar:

NM_005850.5(SF3B4):c.250A>G (p.Ile84Val)

Gene: SF3B4 (splicing factor 3b subunit 4; minus strand). Cytogenetic location: 1q21.2.
Variant type: single nucleotide variant.
Coding change: c.250A>G on transcript NM_005850.5 (MANE Select); coding-DNA position 250, A replaced by G.
Protein change: p.Ile84Val; replaces isoleucine 84 with valine.
Molecular consequence: missense variant.
Genome position (GRCh38, 1-based): chr1:149,926,832, T>C on the plus strand (A>G on the coding strand, the complement: SF3B4 is on the minus strand). VCF-style: chr1-149926832-T-C. GRCh37 (hg19) VCF-style: chr1-149898724-T-C.
Other names: c.250A>G (NM_005850.4); short protein forms I84V.
Identifiers: ClinVar variation 1964235 (VCV001964235.9), dbSNP rs2092592399, ClinGen allele CA342277861.

ClinVar aggregate classification (germline): Uncertain significance. Review status: criteria provided, multiple submitters, no conflicts (2 of 4 stars). 3 submissions from 3 submitters: Uncertain significance (3). Last evaluated 2024-11-29.

Conditions:
Inborn genetic diseases. Identifiers: MedGen C0950123, MeSH D030342.

Allele frequency attached by ClinVar (database versions not stated): gnomAD exomes below 0.00001; gnomAD 0.00001; TOPMed 0.00001.

Submissions (3):

Women's Health and Genetics/Laboratory Corporation of America, LabCorp
Classification: Uncertain significance. Last evaluated: 2024-11-29. Review status: criteria provided, single submitter. Criteria: LabCorp Variant Classification Summary - May 2015. Collection method: clinical testing. Allele origin: germline.
Comment: Variant summary: SF3B4 c.250A>G (p.Ile84Val) results in a conservative amino acid change located in the Eukaryotic RNA Recognition Motif (RRM) domain of the encoded protein sequence. Three of five in-silico tools predict a benign effect of the variant on protein function. The variant was absent in 251416 control chromosomes. The available data on variant occurrences in the general population are insufficient to allow any conclusion about variant significance. To our knowledge, no occurrence of c.250A>G in individuals affected with Nager Syndrome and no experimental evidence demonstrating its impact on protein function have been reported. ClinVar contains an entry for this variant (Variation ID: 1964235). Based on the evidence outlined above, the variant was classified as uncertain significance.

Ambry Genetics
Classification: Uncertain significance for Inborn genetic diseases. Last evaluated: 2023-01-18. Review status: criteria provided, single submitter. Criteria: Ambry Variant Classification Scheme 2023. Collection method: clinical testing. Allele origin: germline.

Labcorp Genetics (formerly Invitae), Labcorp
Classification: Uncertain significance. Last evaluated: 2022-04-15. Review status: criteria provided, single submitter. Criteria: Invitae Variant Classification Sherloc (09022015). Collection method: clinical testing. Allele origin: germline.
Comment: In summary, the available evidence is currently insufficient to determine the role of this variant in disease. Therefore, it has been classified as a Variant of Uncertain Significance. Algorithms developed to predict the effect of missense changes on protein structure and function (SIFT, PolyPhen-2, Align-GVGD) all suggest that this variant is likely to be disruptive. This variant has not been reported in the literature in individuals affected with SF3B4-related conditions. This variant is not present in population databases (gnomAD no frequency). This sequence change replaces isoleucine, which is neutral and non-polar, with valine, which is neutral and non-polar, at codon 84 of the SF3B4 protein (p.Ile84Val).